The following is an entry in ClinVar:

NM_153689.6(C2orf69):c.123G>A (p.Ala41=)

Genes: C2orf69 (chromosome 2 open reading frame 69; plus strand), LOC129935377 (ATAC-STARR-seq lymphoblastoid active region 16950; plus strand). Cytogenetic location: 2q33.1.
Variant type: single nucleotide variant.
Coding change: c.123G>A on transcript NM_153689.6 (MANE Select); coding-DNA position 123, G replaced by A.
Protein change: p.Ala41=; no amino-acid change (alanine 41 retained).
Molecular consequence: synonymous variant.
Genome position (GRCh38, 1-based): chr2:199,911,561, G>A. VCF-style: chr2-199911561-G-A. GRCh37 (hg19) VCF-style: chr2-200776284-G-A.
Identifiers: ClinVar variation 2651805 (VCV002651805.24), dbSNP rs2077259168, ClinGen allele CA430824740.

ClinVar aggregate classification (germline): Likely benign (1 of 4 stars; one submission).

Allele frequency attached by ClinVar (database versions not stated): gnomAD exomes below 0.00001.
gnomAD v4.1: 1 of 1,549,708 alleles (0.000065%); highest among the groups gnomAD compares: Non-Finnish European, 0.000087%; no homozygotes.

Submission:

CeGaT Center for Human Genetics Tuebingen
Classification: Likely benign. Last evaluated: 2023-10-01. Review status: criteria provided, single submitter. Criteria: CeGaT Center For Human Genetics Tuebingen Variant Classification Criteria Version 2. Collection method: clinical testing. Allele origin: germline. Affected: yes. Observed: 1 variant allele.
Comment: C2orf69: PM2:Supporting, BP4, BP7